The following is an entry in ClinVar:

NM_014324.6(AMACR):c.118C>G (p.Arg40Gly)

Genes: AMACR (alpha-methylacyl-CoA racemase; minus strand), C1QTNF3-AMACR (C1QTNF3-AMACR readthrough (NMD candidate); minus strand). Cytogenetic location: 5p13.2.
Variant type: single nucleotide variant.
Coding change: c.118C>G on transcript NM_014324.6 (MANE Select); coding-DNA position 118, C replaced by G.
Protein change: p.Arg40Gly; replaces arginine 40 with glycine.
Molecular consequence: missense variant.
Genome position (GRCh38, 1-based): chr5:34,007,902, G>C on the plus strand (C>G on the coding strand, the complement: AMACR is on the minus strand). VCF-style: chr5-34007902-G-C. GRCh37 (hg19) VCF-style: chr5-34008007-G-C.
Other names: c.118C>G, p.Arg40Gly (NM_001167595.2, NM_203382.3); short protein forms R40G.
Identifiers: ClinVar variation 3346915 (VCV003346915.1).

ClinVar aggregate classification (germline): Uncertain significance (0 of 4 stars; one submission).

Conditions:
AMACR-related disorder. Also called: AMACR-related condition; AMACR-Related Disorders.

Submission:

PreventionGenetics, part of Exact Sciences
Classification: Uncertain significance for AMACR-related condition. Last evaluated: 2024-07-16. Review status: no assertion criteria provided. Collection method: clinical testing. Allele origin: germline.
Comment: The AMACR c.118C>G variant is predicted to result in the amino acid substitution p.Arg40Gly. To our knowledge, this variant has not been reported in the literature. This variant is reported in 0.0080% of alleles in individuals of African descent in gnomAD. At this time, the clinical significance of this variant is uncertain due to the absence of conclusive functional and genetic evidence.